The following is an entry in ClinVar:

ClinVar aggregate classification (germline): Uncertain significance (1 of 4 stars; one submission).

gnomAD v4.1: 5 of 1,613,996 alleles (0.00031%); highest among the groups gnomAD compares: Admixed American, 0.0083%; no homozygotes.

Submission:

Labcorp Genetics (formerly Invitae), Labcorp
Classification: Uncertain significance. Last evaluated: 2025-05-08. Review status: criteria provided, single submitter. Criteria: Invitae Variant Classification Sherloc (09022015). Collection method: clinical testing. Allele origin: germline.
Comment: This sequence change replaces glycine, which is neutral and non-polar, with glutamic acid, which is acidic and polar, at codon 339 of the ARFGEF2 protein (p.Gly339Glu). This variant is present in population databases (no rsID available, gnomAD 0.006%). This variant has not been reported in the literature in individuals affected with ARFGEF2-related conditions. An algorithm developed to predict the effect of missense changes on protein structure and function (PolyPhen-2) suggests that this variant is likely to be tolerated. In summary, the available evidence is currently insufficient to determine the role of this variant in disease. Therefore, it has been classified as a Variant of Uncertain Significance.

NM_006420.3(ARFGEF2):c.1016G>A (p.Gly339Glu)

Gene: ARFGEF2 (ARF guanine nucleotide exchange factor 2; plus strand). Cytogenetic location: 20q13.13.
Variant type: single nucleotide variant.
Coding change: c.1016G>A on transcript NM_006420.3 (MANE Select); coding-DNA position 1016, G replaced by A.
Protein change: p.Gly339Glu; replaces glycine 339 with glutamic acid.
Molecular consequence: missense variant.
Genome position (GRCh38, 1-based): chr20:48,965,980, G>A. VCF-style: chr20-48965980-G-A. GRCh37 (hg19) VCF-style: chr20-47582517-G-A.
Other names: c.1013G>A, p.Gly338Glu (NM_001410846.1); short protein forms G338E, G339E.
Identifiers: ClinVar variation 4717072 (VCV004717072.1).
Genomic context (GRCh38, chr20:48,965,980, plus strand): 5'-AACTGGAGTGCCAGGAATGTGCTATTCCCCCAGGAGTTGATGAAAACTCACAGACCAACG[G>A]GATAGCCGATGACAGGCAGTCCTTGTCGTCAGCAGATAATCTGGTATGTTGGTGATCATC-3'
Protein context (NP_006411.2, residues 329-349): PGVDENSQTN[Gly339Glu]IADDRQSLSS